The following is an entry in ClinVar:

NM_001244710.2(GFPT1):c.685+15A>G

Gene: GFPT1 (glutamine--fructose-6-phosphate transaminase 1; minus strand). Cytogenetic location: 2p13.3.
Variant type: single nucleotide variant.
Coding change: c.685+15A>G on transcript NM_001244710.2 (MANE Select); 15 bases into the intron after coding-DNA position 685, A replaced by G.
Molecular consequence: intron variant.
Genome position (GRCh38, 1-based): chr2:69,354,474, T>C on the plus strand (A>G on the coding strand, the complement: GFPT1 is on the minus strand). VCF-style: chr2-69354474-T-C. GRCh37 (hg19) VCF-style: chr2-69581606-T-C.
Other names: c.685+15A>G (NM_002056.4).
Identifiers: ClinVar variation 518013 (VCV000518013.4), dbSNP rs754593037, ClinGen allele CA1693815.

ClinVar aggregate classification (germline): Likely benign. Review status: criteria provided, multiple submitters, no conflicts (2 of 4 stars). 2 submissions from 2 submitters: Likely benign (2). Last evaluated 2025-11-27.

Conditions:
Congenital myasthenic syndrome 12 (CMS12). Also called: MYASTHENIC SYNDROME, CONGENITAL, WITH TUBULAR AGGREGATES 1; Myasthenia, congenital, 12, with tubular aggregates. Identifiers: Orphanet 353327, Orphanet 590, MedGen C3552335, MONDO:0012518, OMIM 610542.

Allele frequency attached by ClinVar (database versions not stated): gnomAD exomes 0.00001; ExAC 0.00002; gnomAD 0.00002 and 0.00003; TOPMed 0.00002.
gnomAD v4.1: 11 of 1,500,178 alleles (0.00073%); highest among the groups gnomAD compares: African/African-American, 0.012%; no homozygotes.

Submissions (2):

Labcorp Genetics (formerly Invitae), Labcorp
Classification: Likely benign for Congenital myasthenic syndrome 12. Last evaluated: 2025-11-27. Review status: criteria provided, single submitter. Criteria: Invitae Variant Classification Sherloc (09022015). Collection method: clinical testing. Allele origin: germline.

GeneDx
Classification: Likely benign. Last evaluated: 2017-06-16. Review status: criteria provided, single submitter. Criteria: GeneDx Variant Classification (06012015). Collection method: clinical testing. Allele origin: germline. Affected: yes.
Comment: This variant is considered likely benign or benign based on one or more of the following criteria: it is a conservative change, it occurs at a poorly conserved position in the protein, it is predicted to be benign by multiple in silico algorithms, and/or has population frequency not consistent with disease.